The following is an entry in ClinVar:

NM_018489.3(ASH1L):c.8188C>G (p.Arg2730Gly)

Gene: ASH1L (ASH1 like histone lysine methyltransferase; minus strand). Cytogenetic location: 1q22.
Variant type: single nucleotide variant.
Coding change: c.8188C>G on transcript NM_018489.3 (MANE Select); coding-DNA position 8188, C replaced by G.
Protein change: p.Arg2730Gly; replaces arginine 2730 with glycine.
Molecular consequence: missense variant.
Genome position (GRCh38, 1-based): chr1:155,343,419, G>C on the plus strand (C>G on the coding strand, the complement: ASH1L is on the minus strand). VCF-style: chr1-155343419-G-C. GRCh37 (hg19) VCF-style: chr1-155313210-G-C.
Other names: c.8203C>G, p.Arg2735Gly (NM_001366177.2); short protein forms R2730G, R2735G.
Identifiers: ClinVar variation 2579834 (VCV002579834.1), dbSNP rs1370863385, ClinGen allele CA342727775.

ClinVar aggregate classification (germline): Uncertain significance (1 of 4 stars; one submission).

Submission:

GeneDx
Classification: Uncertain significance. Last evaluated: 2023-03-16. Review status: criteria provided, single submitter. Criteria: GeneDx Variant Classification Process June 2021. Collection method: clinical testing. Allele origin: germline. Affected: yes.
Comment: Not observed at significant frequency in large population cohorts (gnomAD); In silico analysis supports that this missense variant has a deleterious effect on protein structure/function; Has not been previously published as pathogenic or benign to our knowledge